The following is an entry in ClinVar:

ClinVar aggregate classification (germline): Uncertain significance. Review status: criteria provided, multiple submitters, no conflicts (2 of 4 stars). 2 submissions from 2 submitters: Uncertain significance (2). Last evaluated 2025-11-25.

Conditions:
Neurodevelopmental disorder with cerebellar hypoplasia and spasticity. Identifiers: MedGen C5231415, MONDO:0032818, OMIM 618572.

gnomAD v4.1: 109 of 1,597,744 alleles (0.0068%); highest among the groups gnomAD compares: Admixed American, 0.083%; 1 homozygote.

Submissions (2):

Dasa
Classification: Uncertain significance for Neurodevelopmental disorder with cerebellar hypoplasia and spasticity. Last evaluated: 2025-11-25. Review status: criteria provided, single submitter. Criteria: DASA Assertion Criteria. Collection method: clinical testing. Allele origin: germline.
Comment: NM_017864.4(INTS8):c.1496A>G (p.Tyr499Cys) is a missense variant that results in the substitution of tyrosine with cysteine. This variant is rare in population databases. Computational prediction algorithms are consistent with a deleterious effect. The currently available literature and clinical evidence are not sufficient to establish a definitive association between this variant and the reported condition. Therefore, this variant is classified as a variant of uncertain significance.

Ambry Genetics
Classification: Uncertain significance. Last evaluated: 2024-11-10. Review status: criteria provided, single submitter. Criteria: Ambry Variant Classification Scheme 2023. Collection method: clinical testing. Allele origin: germline.

NM_017864.4(INTS8):c.1496A>G (p.Tyr499Cys)

Gene: INTS8 (integrator complex subunit 8; plus strand). Cytogenetic location: 8q22.1.
Variant type: single nucleotide variant.
Coding change: c.1496A>G on transcript NM_017864.4 (MANE Select); coding-DNA position 1496, A replaced by G.
Protein change: p.Tyr499Cys; replaces tyrosine 499 with cysteine.
Molecular consequence: missense variant. On other transcripts: non-coding transcript variant (2).
Genome position (GRCh38, 1-based): chr8:94,850,080, A>G. VCF-style: chr8-94850080-A-G. GRCh37 (hg19) VCF-style: chr8-95862308-A-G.
Other names: short protein forms Y499C.
Identifiers: ClinVar variation 3529497 (VCV003529497.3).